The following is an entry in ClinVar:

NM_005475.3(SH2B3):c.517C>T (p.Pro173Ser)

Gene: SH2B3 (SH2B adaptor protein 3; plus strand). Cytogenetic location: 12q24.12.
Variant type: single nucleotide variant.
Coding change: c.517C>T on transcript NM_005475.3 (MANE Select); coding-DNA position 517, C replaced by T.
Protein change: p.Pro173Ser; replaces proline 173 with serine.
Molecular consequence: missense variant.
Genome position (GRCh38, 1-based): chr12:111,418,662, C>T. VCF-style: chr12-111418662-C-T. GRCh37 (hg19) VCF-style: chr12-111856466-C-T.
Other names: short protein forms P173S.
Identifiers: ClinVar variation 3953411 (VCV003953411.1).
Genomic context (GRCh38, chr12:111,418,662, plus strand): 5'-GAGCTGCCAGCGGCCCACACCGCTGCCGCCCCCGGGACCCCCGGAGAGGCTGCTGAGACC[C>T]CCGCCCGGCCTGGCCTGGCCAAGAAGTTCCTGCCCTGGAGCCTGGCCCGGGAGCCGCCAC-3'
Protein context (NP_005466.1, residues 163-183): PGTPGEAAET[Pro173Ser]ARPGLAKKFL

ClinVar aggregate classification (germline): Uncertain significance (1 of 4 stars; one submission).

Conditions:
Inborn genetic diseases. Identifiers: MedGen C0950123, MeSH D030342.

Submission:

Ambry Genetics
Classification: Uncertain significance for Inborn genetic diseases. Last evaluated: 2025-04-01. Review status: criteria provided, single submitter. Criteria: Ambry Variant Classification Scheme 2023. Collection method: clinical testing. Allele origin: germline.
Comment: The p.P173S variant (also known as c.517C>T), located in coding exon 1 of the SH2B3 gene, results from a C to T substitution at nucleotide position 517. The proline at codon 173 is replaced by serine, an amino acid with similar properties. This amino acid position is conserved. In addition, this alteration is predicted to be tolerated by in silico analysis. Based on the available evidence, the clinical significance of this variant remains unclear.